The following is an entry in ClinVar:

NM_000038.6(APC):c.519_520insGGCCGGGCGCGTTGGCTCACGCCTGTAATCCCAGCACTTTGGGAGGCCGAGGCAGGTGGATCATGAGGTCAGGAGANNNNNNNNNNAAAAAAAAAAAAAAAAAAAAAAAAGAATAGATAGTCTTCCT (p.Leu174delinsGlyArgAlaArgTrpLeuThrProValIleProAlaLeuTrpGluAlaGluAlaGlyGlySerTer)

Gene: APC (APC regulator of Wnt signaling pathway; plus strand). Cytogenetic location: 5q22.2.
Variant type: Microsatellite.
Coding change: c.519_520insGGCCGGGCGCGTTGGCTCACGCCTGTAATCCCAGCACTTTGGGAGGCCGAGGCAGGTGGATCATGAGGTCAGGAGANNNNNNNNNNAAAAAAAAAAAAAAAAAAAAAAAAGAATAGATAGTCTTCCT on transcript NM_000038.6 (MANE Select); coding-DNA positions 519 to 520, GGCCGGGCGCGTTGGCTCACGCCTGTAATCCCAGCACTTTGGGAGGCCGAGGCAGGTGGATCATGAGGTCAGGAGANNNNNNNNNNAAAAAAAAAAAAAAAAAAAAAAAAGAATAGATAGTCTTCCT inserted.
Protein change: p.Leu174delinsGlyArgAlaArgTrpLeuThrProValIleProAlaLeuTrpGluAlaGluAlaGlyGlySerTer.
Molecular consequence: nonsense. On other transcripts: 5 prime UTR variant (4), non-coding transcript variant (2).
Genome position: GRCh38: chr5:112,775,705-112,775,725. GRCh37 (hg19), VCF-style position (the base before the change): chr5:112,111,401.
Other names: c.519_520insGGCCGGGCGCGTTGGCTCACGCCTGTAATCCCAGCACTTTGGGAGGCCGAGGCAGGTGGATCATGAGGTCAGGAGANNNNNNNNNNAAAAAAAAAAAAAAAAAAAAAAAAGAATAGATAGTCTTCCT, p.Leu174delinsGlyArgAlaArgTrpLeuThrProValIleProAlaLeuTrpGluAlaGluAlaGlyGlySerTer (NM_001127510.3, NM_001354895.2, NM_001354896.2 and 16 more transcripts); c.549_550insGGCCGGGCGCGTTGGCTCACGCCTGTAATCCCAGCACTTTGGGAGGCCGAGGCAGGTGGATCATGAGGTCAGGAGANNNNNNNNNNAAAAAAAAAAAAAAAAAAAAAAAAGAATAGATAGTCTTCCT, p.Leu184delinsGlyArgAlaArgTrpLeuThrProValIleProAlaLeuTrpGluAlaGluAlaGlyGlySerTer (NM_001127511.3, NM_001354897.2, NM_001354902.2 and 1 more transcripts); c.444_445insGGCCGGGCGCGTTGGCTCACGCCTGTAATCCCAGCACTTTGGGAGGCCGAGGCAGGTGGATCATGAGGTCAGGAGANNNNNNNNNNAAAAAAAAAAAAAAAAAAAAAAAAGAATAGATAGTCTTCCT, p.Leu149delinsGlyArgAlaArgTrpLeuThrProValIleProAlaLeuTrpGluAlaGluAlaGlyGlySerTer (NM_001354898.2, NM_001354904.2, NM_001407451.1); c.342_343insGGCCGGGCGCGTTGGCTCACGCCTGTAATCCCAGCACTTTGGGAGGCCGAGGCAGGTGGATCATGAGGTCAGGAGANNNNNNNNNNAAAAAAAAAAAAAAAAAAAAAAAAGAATAGATAGTCTTCCT, p.Leu115delinsGlyArgAlaArgTrpLeuThrProValIleProAlaLeuTrpGluAlaGluAlaGlyGlySerTer (NM_001354900.2, NM_001354901.2, NM_001354905.2 and 1 more transcripts); c.-537_-517A[4]GAATAGATAGTCTTCCTGGCCGGGCGCGTTGGCTCACGCCTGTAATCCCAGCACTTTGGGAGGCCGAGGCAGGTGGATCATGAGGTCAGGAGANNNNNNNNNNAAAAAAAAAAAAAAAAAAAAAAAAGAATAGATAGTCTTCCT[1] (NM_001354906.2, NM_001407470.1, NM_001407471.1 and 1 more transcripts).
Identifiers: ClinVar variation 2743918 (VCV002743918.3).

ClinVar aggregate classification (germline): Pathogenic (1 of 4 stars; one submission).

Conditions:
Familial adenomatous polyposis 1 (FAP1). Also called: FAMILIAL ADENOMATOUS POLYPOSIS 1, ATTENUATED; POLYPOSIS, ADENOMATOUS INTESTINAL. Identifiers: MedGen C2713442, MONDO:0021056, OMIM 175100. Disease mechanism: loss of function.

Submission:

Labcorp Genetics (formerly Invitae), Labcorp
Classification: Pathogenic for Familial adenomatous polyposis 1. Last evaluated: 2025-11-10. Review status: criteria provided, single submitter. Criteria: Invitae Variant Classification Sherloc (09022015). Collection method: clinical testing. Allele origin: germline.
Comment: This sequence change inserts a large fragment of DNA, likely a transposable element, in exon 5 of the APC gene (c.519_520ins?), causing a frameshift at codon 174 (p.Leu174fs). The exact size and sequence of the insertion cannot be determined by the current assay. However, the insertion is expected to result in an absent or disrupted protein product. This variant is not present in population databases (gnomAD no frequency). This variant has not been reported in the literature in individuals affected with APC-related conditions. Algorithms developed to predict the effect of sequence changes on RNA splicing suggest that this variant may disrupt the consensus splice site. Retrotransposon insertions including LINE1 (L1), Alu, and SVA (SINE-VNTR-Alu) have been reported to be disease-causing through disruption of either a coding region or splice site (PMID: 19763152, 20307669, 22406018) and loss-of-function variants in APC are known to be pathogenic (PMID: 17963004, 20685668). For these reasons, this variant has been classified as Pathogenic.

Literature cited by the submitters: PubMed 19763152; PubMed 20307669; PubMed 22406018; PubMed 17963004; PubMed 20685668.